The following is an entry in ClinVar:

NM_001142800.2(EYS):c.5437A>T (p.Ile1813Phe)

Gene: EYS (EGF-like photoreceptor maintenance factor; minus strand). Cytogenetic location: 6q12.
Variant type: single nucleotide variant.
Coding change: c.5437A>T on transcript NM_001142800.2 (MANE Select); coding-DNA position 5437, A replaced by T.
Protein change: p.Ile1813Phe; replaces isoleucine 1813 with phenylalanine.
Molecular consequence: missense variant.
Genome position (GRCh38, 1-based): chr6:64,590,430, T>A on the plus strand (A>T on the coding strand, the complement: EYS is on the minus strand). VCF-style: chr6-64590430-T-A. GRCh37 (hg19) VCF-style: chr6-65300323-T-A.
Other names: c.5437A>T, p.Ile1813Phe (NM_001292009.2); short protein forms I1813F.
Identifiers: ClinVar variation 2421481 (VCV002421481.6), dbSNP rs1314154144, ClinGen allele CA364781113.

ClinVar aggregate classification (germline): Uncertain significance (1 of 4 stars; one submission).

Allele frequency attached by ClinVar (database versions not stated): gnomAD 0.00001; TOPMed 0.00001.
gnomAD v4.1: 10 of 1,551,258 alleles (0.00064%); highest among the groups gnomAD compares: Non-Finnish European, 0.00087%; no homozygotes.

Submission:

Labcorp Genetics (formerly Invitae), Labcorp
Classification: Uncertain significance. Last evaluated: 2023-12-22. Review status: criteria provided, single submitter. Criteria: Invitae Variant Classification Sherloc (09022015). Collection method: clinical testing. Allele origin: germline.
Comment: This sequence change replaces isoleucine, which is neutral and non-polar, with phenylalanine, which is neutral and non-polar, at codon 1813 of the EYS protein (p.Ile1813Phe). This variant is not present in population databases (gnomAD no frequency). This variant has not been reported in the literature in individuals affected with EYS-related conditions. ClinVar contains an entry for this variant (Variation ID: 2421481). Algorithms developed to predict the effect of missense changes on protein structure and function output the following: SIFT: "Not Available"; PolyPhen-2: "Benign"; Align-GVGD: "Not Available". The phenylalanine amino acid residue is found in multiple mammalian species, which suggests that this missense change does not adversely affect protein function. In summary, the available evidence is currently insufficient to determine the role of this variant in disease. Therefore, it has been classified as a Variant of Uncertain Significance.